The following is an entry in ClinVar:

ClinVar aggregate classification (germline): Pathogenic (1 of 4 stars; one submission).

Conditions:
Cerebral cavernous malformation (CCM). Also called: Cerebral cavernous malformations; Cavernous Hemangioma of Brain; Cerebral cavernous hemangioma (type); CAVERNOUS ANGIOMA, FAMILIAL; CAVERNOUS ANGIOMATOUS MALFORMATIONS; CEREBRAL CAPILLARY MALFORMATIONS. Identifiers: Orphanet 221061, MedGen C2919945, MONDO:0000820, OMIM 116860, HP:0033522.

Submission:

Labcorp Genetics (formerly Invitae), Labcorp
Classification: Pathogenic for Cerebral cavernous malformation. Last evaluated: 2023-05-23. Review status: criteria provided, single submitter. Criteria: Invitae Variant Classification Sherloc (09022015). Collection method: clinical testing. Allele origin: germline.
Comment: This sequence change creates a premature translational stop signal (p.Leu677*) in the KRIT1 gene. It is expected to result in an absent or disrupted protein product. Loss-of-function variants in KRIT1 are known to be pathogenic (PMID: 10508515, 11222804, 12404106, 24689081). This variant is not present in population databases (gnomAD no frequency). This variant has not been reported in the literature in individuals affected with KRIT1-related conditions. For these reasons, this variant has been classified as Pathogenic.

Literature cited by the submitters: PubMed 10508515; PubMed 11222804; PubMed 12404106; PubMed 24689081.

NM_194454.3(KRIT1):c.2030T>A (p.Leu677Ter)

Gene: KRIT1 (KRIT1 ankyrin repeat containing; minus strand). Cytogenetic location: 7q21.2.
Variant type: single nucleotide variant.
Coding change: c.2030T>A on transcript NM_194454.3 (MANE Select); coding-DNA position 2030, T replaced by A.
Protein change: p.Leu677Ter; replaces leucine 677 with a stop codon.
Molecular consequence: nonsense.
Genome position (GRCh38, 1-based): chr7:92,201,419, A>T on the plus strand (T>A on the coding strand, the complement: KRIT1 is on the minus strand). VCF-style: chr7-92201419-A-T. GRCh37 (hg19) VCF-style: chr7-91830733-A-T.
Other names: c.1886T>A, p.Leu629Ter (NM_001013406.2, NM_001350669.1, NM_001350670.1); c.1316T>A, p.Leu439Ter (NM_001350671.1); c.2030T>A, p.Leu677Ter (NM_001350672.1, NM_001350673.1, NM_001350674.1 and 26 more transcripts); short protein forms L629*, L439*, L677*.
Identifiers: ClinVar variation 2761887 (VCV002761887.3), dbSNP rs2535518733, ClinGen allele CA368167024.
Genomic context (GRCh38, chr7:92,201,419, plus strand): 5'-AAACAAGTATCAGTATCTCCCAATTGCCACATAAAACAACCATACTTAAGACTGATGAGT[A>T]AAGCCTGCAACATAATTGGAAACAACTATATTGAAATACATATTAAAAACTTCACCTATT-3'